The following is an entry in ClinVar:

ClinVar aggregate classification (germline): Uncertain significance (1 of 4 stars; one submission).

Conditions:
Heterotopia, periventricular, X-linked dominant (PVNH1). Also called: PERIVENTRICULAR NODULAR HETEROTOPIA 4; HETEROTOPIA, PERIVENTRICULAR, 1; PERIVENTRICULAR NODULAR HETEROTOPIA 1; X-linked periventricular heterotopia. Identifiers: Orphanet 2149, Orphanet 82004, MedGen C1848213, MONDO:0010233, OMIM 300049.
Oto-palato-digital syndrome, type II (OPD2). Also called: Otopalatodigital Syndrome, Type II; Otopalatodigital Syndrome Type 2 (FLNA-OPD2); FACIOPALATOOSSEOUS SYNDROME; OPD II SYNDROME. Identifiers: Orphanet 669, Orphanet 90652, MedGen C1844696, MONDO:0010571, OMIM 304120.
Melnick-Needles syndrome (MNS). Also called: Melnick-Needles Syndrome (FLNA-MNS); MELNICK-NEEDLES OSTEODYSPLASTY; OSTEODYSPLASTY OF MELNICK AND NEEDLES. Identifiers: Orphanet 2484, MedGen C0025237, MONDO:0010650, OMIM 309350.
Frontometaphyseal dysplasia (FMD1). Identifiers: Orphanet 1826, MedGen C0265293, MONDO:0015942.

Allele frequency attached by ClinVar (database versions not stated): gnomAD exomes 0.00001 and 0.00002.
gnomAD v4.1: 4 of 1,211,698 alleles (0.00033%); highest among the groups gnomAD compares: Non-Finnish European, 0.00045%; no homozygotes.

Submission:

Labcorp Genetics (formerly Invitae), Labcorp
Classification: Uncertain significance for Oto-palato-digital syndrome, type II; Heterotopia, periventricular, X-linked dominant; Frontometaphyseal dysplasia; Melnick-Needles syndrome. Last evaluated: 2019-09-06. Review status: criteria provided, single submitter. Criteria: Invitae Variant Classification Sherloc (09022015). Collection method: clinical testing. Allele origin: germline.
Comment: In summary, the available evidence is currently insufficient to determine the role of this variant in disease. Therefore, it has been classified as a Variant of Uncertain Significance. Algorithms developed to predict the effect of missense changes on protein structure and function (SIFT, PolyPhen-2, Align-GVGD) all suggest that this variant is likely to be disruptive, but these predictions have not been confirmed by published functional studies and their clinical significance is uncertain. This variant has not been reported in the literature in individuals with FLNA-related conditions. This variant is not present in population databases (ExAC no frequency). This sequence change replaces glycine with serine at codon 2019 of the FLNA protein (p.Gly2019Ser). The glycine residue is highly conserved and there is a small physicochemical difference between glycine and serine.

NM_001110556.2(FLNA):c.6079G>A (p.Gly2027Ser)

Gene: FLNA (filamin A; minus strand). Cytogenetic location: Xq28.
Variant type: single nucleotide variant.
Coding change: c.6079G>A on transcript NM_001110556.2 (MANE Select); coding-DNA position 6079, G replaced by A.
Protein change: p.Gly2027Ser; replaces glycine 2027 with serine.
Molecular consequence: missense variant.
Genome position (GRCh38, 1-based): chrX:154,353,148, C>T on the plus strand (G>A on the coding strand, the complement: FLNA is on the minus strand). VCF-style: chrX-154353148-C-T. GRCh37 (hg19) VCF-style: chrX-153581516-C-T.
Other names: c.6055G>A, p.Gly2019Ser (NM_001456.4); short protein forms G2027S, G2019S.
Identifiers: ClinVar variation 963022 (VCV000963022.10), dbSNP rs1557176152, ClinGen allele CA415196296.